The following is an entry in ClinVar:

NM_001283009.2(RTEL1):c.3109+1G>T

Genes: RTEL1 (regulator of telomere elongation helicase 1; plus strand), RTEL1-TNFRSF6B (RTEL1-TNFRSF6B readthrough (NMD candidate); plus strand). Cytogenetic location: 20q13.33.
Variant type: single nucleotide variant.
Coding change: c.3109+1G>T on transcript NM_001283009.2 (MANE Select); the canonical splice donor site of the intron after coding-DNA position 3109, G replaced by T.
Molecular consequence: splice donor variant.
Genome position (GRCh38, 1-based): chr20:63,694,489, G>T. VCF-style: chr20-63694489-G-T. GRCh37 (hg19) VCF-style: chr20-62325842-G-T.
Other names: c.2440+1G>T (NM_001283010.1); c.3181+1G>T (NM_032957.5); c.3109+1G>T (NM_016434.4).
Identifiers: ClinVar variation 2952831 (VCV002952831.3), dbSNP rs2145471794, ClinGen allele CA409684738.

ClinVar aggregate classification (germline): Likely pathogenic (1 of 4 stars; one submission).

Conditions:
Dyskeratosis congenita, autosomal recessive 5 (DKCB5). Identifiers: MedGen C3554656, MONDO:0014076, OMIM 615190.
Pulmonary fibrosis and/or bone marrow failure, Telomere-related, 3. Also called: PULMONARY FIBROSIS AND/OR BONE MARROW FAILURE SYNDROME, TELOMERE-RELATED, 3. Identifiers: Orphanet 2032, MedGen C4225346, MONDO:0014613, OMIM 616373.

Submission:

Labcorp Genetics (formerly Invitae), Labcorp
Classification: Likely pathogenic for Dyskeratosis congenita, autosomal recessive 5; Pulmonary fibrosis and/or bone marrow failure, Telomere-related, 3. Last evaluated: 2023-10-13. Review status: criteria provided, single submitter. Criteria: Invitae Variant Classification Sherloc (09022015). Collection method: clinical testing. Allele origin: germline.
Comment: This sequence change affects a donor splice site in intron 31 of the RTEL1 gene. It is expected to disrupt RNA splicing. Variants that disrupt the donor or acceptor splice site typically lead to a loss of protein function (PMID: 16199547), and loss-of-function variants in RTEL1 are known to be pathogenic (PMID: 23453664, 23959892, 25607374). This variant is not present in population databases (gnomAD no frequency). Disruption of this splice site has been observed in individual(s) with bone marrow failure (PMID: 35419889). Algorithms developed to predict the effect of sequence changes on RNA splicing suggest that this variant may disrupt the consensus splice site. In summary, the currently available evidence indicates that the variant is pathogenic, but additional data are needed to prove that conclusively. Therefore, this variant has been classified as Likely Pathogenic.

Literature cited by the submitters: PubMed 16199547; PubMed 23453664; PubMed 23959892; PubMed 25607374; PubMed 35419889.